The following is an entry in ClinVar:

ClinVar aggregate classification (germline): Uncertain significance (1 of 4 stars; one submission).

gnomAD v4.1: 20 of 1,613,620 alleles (0.0012%); highest among the groups gnomAD compares: Admixed American, 0.0017%; no homozygotes.

Submission:

Labcorp Genetics (formerly Invitae), Labcorp
Classification: Uncertain significance. Last evaluated: 2022-06-28. Review status: criteria provided, single submitter. Criteria: Invitae Variant Classification Sherloc (09022015). Collection method: clinical testing. Allele origin: germline.
Comment: In summary, the available evidence is currently insufficient to determine the role of this variant in disease. Therefore, it has been classified as a Variant of Uncertain Significance. Algorithms developed to predict the effect of missense changes on protein structure and function (SIFT, PolyPhen-2, Align-GVGD) all suggest that this variant is likely to be disruptive. This variant has not been reported in the literature in individuals affected with LTBP2-related conditions. This variant is present in population databases (no rsID available, gnomAD 0.004%). This sequence change replaces alanine, which is neutral and non-polar, with glycine, which is neutral and non-polar, at codon 1486 of the LTBP2 protein (p.Ala1486Gly).

NM_000428.3(LTBP2):c.4457C>G (p.Ala1486Gly)

Gene: LTBP2 (latent transforming growth factor beta binding protein 2; minus strand). Cytogenetic location: 14q24.3.
Variant type: single nucleotide variant.
Coding change: c.4457C>G on transcript NM_000428.3 (MANE Select); coding-DNA position 4457, C replaced by G.
Protein change: p.Ala1486Gly; replaces alanine 1486 with glycine.
Molecular consequence: missense variant.
Genome position (GRCh38, 1-based): chr14:74,504,051, G>C on the plus strand (C>G on the coding strand, the complement: LTBP2 is on the minus strand). VCF-style: chr14-74504051-G-C. GRCh37 (hg19) VCF-style: chr14-74970754-G-C.
Other names: short protein forms A1486G.
Identifiers: ClinVar variation 1346387 (VCV001346387.4), dbSNP rs371257103, ClinGen allele CA390385554.